The following is an entry in ClinVar:

NM_033380.3(COL4A5):c.4769C>A (p.Pro1590His)

Gene: COL4A5 (collagen type IV alpha 5 chain; plus strand). Cytogenetic location: Xq22.3.
Variant type: single nucleotide variant.
Coding change: c.4769C>A on transcript NM_033380.3 (MANE Select); coding-DNA position 4769, C replaced by A.
Protein change: p.Pro1590His; replaces proline 1590 with histidine.
Molecular consequence: missense variant.
Genome position (GRCh38, 1-based): chrX:108,694,869, C>A. VCF-style: chrX-108694869-C-A. GRCh37 (hg19) VCF-style: chrX-107938099-C-A.
Other names: c.4751C>A, p.Pro1584His (NM_000495.5); short protein forms P1584H, P1590H.
Identifiers: ClinVar variation 988255 (VCV000988255.1), dbSNP rs281874747, ClinGen allele CA414132513.

ClinVar aggregate classification (germline): Pathogenic (0 of 4 stars; one submission).

Conditions:
Alport syndrome. Also called: Hemorrhagic familial nephritis; Hemorrhagic hereditary nephritis; Congenital hereditary hematuria. Identifiers: Orphanet 63, MedGen C1567741, MONDO:0018965.

Submission:

Sydney Genome Diagnostics, Children's Hospital Westmead
Classification: Pathogenic for Alport syndrome. Last evaluated: 2018-10-24. Review status: no assertion criteria provided. Collection method: clinical testing. Allele origin: unknown. Affected: yes. Observed: 1 variant allele, 1 heterozygote.
Comment: This variant is listed in the Alport database, and has been previously reported in male patients with adult type X-linked Alport syndrome, and female patients with hematuria/renal failure in the literature (Pont-Kingdon et al 2009 BMC Nephrol 10:38).